The following is an entry in ClinVar:

ClinVar aggregate classification (germline): Likely benign (0 of 4 stars; one submission).

Conditions:
MFAP5-related disorder. Also called: MFAP5-related condition.

Submission:

PreventionGenetics, part of Exact Sciences
Classification: Likely benign for MFAP5-related condition. Last evaluated: 2021-01-15. Review status: no assertion criteria provided. Collection method: clinical testing. Allele origin: germline.
Comment: This variant is classified as likely benign based on ACMG/AMP sequence variant interpretation guidelines (Richards et al. 2015 PMID: 25741868, with internal and published modifications).

NM_003480.4(MFAP5):c.234A>G (p.Lys78=)

Gene: MFAP5 (microfibril associated protein 5; minus strand). Cytogenetic location: 12p13.31.
Variant type: single nucleotide variant.
Coding change: c.234A>G on transcript NM_003480.4 (MANE Select); coding-DNA position 234, A replaced by G.
Protein change: p.Lys78=; no amino-acid change (lysine 78 retained).
Molecular consequence: synonymous variant. On other transcripts: non-coding transcript variant (1), intron variant (4).
Genome position (GRCh38, 1-based): chr12:8,651,675, T>C on the plus strand (A>G on the coding strand, the complement: MFAP5 is on the minus strand). VCF-style: chr12-8651675-T-C. GRCh37 (hg19) VCF-style: chr12-8804271-T-C.
Other names: c.182-1086A>G (NM_001297710.2); c.173-1086A>G (NM_001297711.2); c.217+2762A>G (NM_001297712.2); c.218-1086A>G (NM_001297709.2).
Identifiers: ClinVar variation 3031134 (VCV003031134.2), dbSNP rs2540291479, ClinGen allele CA478467505.